The following is an entry in ClinVar:

ClinVar aggregate classification (germline): Uncertain significance (1 of 4 stars; one submission).

Submission:

Labcorp Genetics (formerly Invitae), Labcorp
Classification: Uncertain significance. Last evaluated: 2025-06-03. Review status: criteria provided, single submitter. Criteria: Invitae Variant Classification Sherloc (09022015). Collection method: clinical testing. Allele origin: germline.
Comment: This sequence change replaces leucine, which is neutral and non-polar, with valine, which is neutral and non-polar, at codon 1363 of the DUOX2 protein (p.Leu1363Val). This variant is not present in population databases (gnomAD no frequency). This variant has not been reported in the literature in individuals affected with DUOX2-related conditions. ClinVar contains an entry for this variant (Variation ID: 2778878). Invitae Evidence Modeling of protein sequence and biophysical properties (such as structural, functional, and spatial information, amino acid conservation, physicochemical variation, residue mobility, and thermodynamic stability) has been performed for this missense variant. However, the output from this modeling did not meet the statistical confidence thresholds required to predict the impact of this variant on DUOX2 protein function. In summary, the available evidence is currently insufficient to determine the role of this variant in disease. Therefore, it has been classified as a Variant of Uncertain Significance.

NM_001363711.2(DUOX2):c.4087C>G (p.Leu1363Val)

Gene: DUOX2 (dual oxidase 2; minus strand). Cytogenetic location: 15q21.1.
Variant type: single nucleotide variant.
Coding change: c.4087C>G on transcript NM_001363711.2 (MANE Select); coding-DNA position 4087, C replaced by G.
Protein change: p.Leu1363Val; replaces leucine 1363 with valine.
Molecular consequence: missense variant.
Genome position (GRCh38, 1-based): chr15:45,095,589, G>C on the plus strand (C>G on the coding strand, the complement: DUOX2 is on the minus strand). VCF-style: chr15-45095589-G-C. GRCh37 (hg19) VCF-style: chr15-45387787-G-C.
Other names: c.4087C>G, p.Leu1363Val (NM_014080.5); short protein forms L1363V.
Identifiers: ClinVar variation 2778878 (VCV002778878.3), dbSNP rs2504739390, ClinGen allele CA392251837.
Genomic context (GRCh38, chr15:45,095,589, plus strand): 5'-CCAACACTGACACCTCAAATTTATGCCACTCCTGATGGCCCTCTCCAAACGGTCCATCAA[G>C]GTACAGCTGCCAAGAGAGGGGGGAGATGAAATGAGCCTGACCCTGCCCCAGCTCTGAGAC-3'
Protein context (NP_001350640.1, residues 1353-1373): NGCAGYPKLY[Leu1363Val]DGPFGEGHQE